The following is an entry in ClinVar:

NM_003873.7(NRP1):c.1558A>G (p.Ser520Gly)

Gene: NRP1 (neuropilin 1; minus strand). Cytogenetic location: 10p11.22.
Variant type: single nucleotide variant.
Coding change: c.1558A>G on transcript NM_003873.7 (MANE Select); coding-DNA position 1558, A replaced by G.
Protein change: p.Ser520Gly; replaces serine 520 with glycine.
Molecular consequence: missense variant. On other transcripts: non-coding transcript variant (1).
Genome position (GRCh38, 1-based): chr10:33,213,442, T>C on the plus strand (A>G on the coding strand, the complement: NRP1 is on the minus strand). VCF-style: chr10-33213442-T-C. GRCh37 (hg19) VCF-style: chr10-33502370-T-C.
Other names: c.1558A>G, p.Ser520Gly (NM_001024628.3, NM_001024629.3, NM_001244972.2 and 2 more transcripts); short protein forms S520G.
Identifiers: ClinVar variation 3350291 (VCV003350291.1).

ClinVar aggregate classification (germline): Likely benign (0 of 4 stars; one submission).

Conditions:
NRP1-related disorder. Also called: NRP1-related condition.

Submission:

PreventionGenetics, part of Exact Sciences
Classification: Likely benign for NRP1-related condition. Last evaluated: 2024-09-24. Review status: no assertion criteria provided. Collection method: clinical testing. Allele origin: germline.
Comment: This variant is classified as likely benign based on ACMG/AMP sequence variant interpretation guidelines (Richards et al. 2015 PMID: 25741868, with internal and published modifications).